The following is an entry in ClinVar:

ClinVar aggregate classification (germline): Benign/Likely benign. Review status: criteria provided, multiple submitters, no conflicts (2 of 4 stars). 5 submissions from 5 submitters: Benign (4); Likely benign (1). Last evaluated 2026-01-23.

Conditions:
Autoinflammatory syndrome. Identifiers: Orphanet 93665, MedGen C3890737, MONDO:0019751.
Proteasome-associated autoinflammatory syndrome 1 (PRAAS1). Also called: JOINT CONTRACTURES, MUSCULAR ATROPHY, MICROCYTIC ANEMIA, AND PANNICULITIS-INDUCED LIPODYSTROPHY; JMP SYNDROME; AUTOINFLAMMATION, LIPODYSTROPHY, AND DERMATOSIS SYNDROME; NAKAJO-NISHIMURA SYNDROME; CHRONIC ATYPICAL NEUTROPHILIC DERMATOSIS WITH LIPODYSTROPHY AND ELEVATED TEMPERATURE SYNDROME; Nakajo syndrome. Identifiers: Orphanet 2615, Orphanet 324977, Orphanet 324999, Orphanet 325004, MedGen C4746851, MONDO:0054698, OMIM 256040.
Proteosome-associated autoinflammatory syndrome. Also called: Proteasome-associated autoinflammatory syndrome. Identifiers: Orphanet 324977, MedGen C1850568, MONDO:0009726.

Allele frequency attached by ClinVar (database versions not stated): gnomAD 0.00173 and 0.00230; gnomAD exomes 0.00200 and 0.00386; ESP Exome Variant Server 0.00213; TOPMed 0.00220; ExAC 0.00435; 1000 Genomes Project 0.00679; 1000 Genomes Project 30x 0.00687.

Submissions (5):

Women's Health and Genetics/Laboratory Corporation of America, LabCorp
Classification: Benign. Last evaluated: 2026-01-23. Review status: criteria provided, single submitter. Criteria: LabCorp Variant Classification Summary - May 2015. Collection method: clinical testing. Allele origin: germline.

Labcorp Genetics (formerly Invitae), Labcorp
Classification: Benign for Proteosome-associated autoinflammatory syndrome. Last evaluated: 2026-01-22. Review status: criteria provided, single submitter. Criteria: Invitae Variant Classification Sherloc (09022015). Collection method: clinical testing. Allele origin: germline.

Blueprint Genetics
Classification: Likely benign. Last evaluated: 2024-11-19. Review status: criteria provided, single submitter. Criteria: ACMG Guidelines, 2015. Collection method: clinical testing. Allele origin: germline.

Genome Diagnostics Laboratory, The Hospital for Sick Children
Classification: Benign for Autoinflammatory syndrome. Last evaluated: 2021-01-26. Review status: criteria provided, single submitter. Criteria: ACMG Guidelines, 2015. Collection method: clinical testing. Allele origin: germline. Affected: yes.

Illumina Laboratory Services, Illumina
Classification: Benign for Proteasome-associated autoinflammatory syndrome 1. Last evaluated: 2018-01-12. Review status: criteria provided, single submitter. Criteria: ICSL Variant Classification Criteria 13 December 2019. Collection method: clinical testing. Allele origin: germline.
Comment: This variant was observed in the ICSL laboratory as part of a predisposition screen in an ostensibly healthy population. It had not been previously curated by ICSL or reported in the Human Gene Mutation Database (HGMD: prior to June 1st, 2018), and was therefore a candidate for classification through an automated scoring system. Utilizing variant allele frequency, disease prevalence and penetrance estimates, and inheritance mode, an automated score was calculated to assess if this variant is too frequent to cause the disease. Based on the score and internal cut-off values, a variant classified as benign is not then subjected to further curation. The score for this variant resulted in a classification of benign for this disease.

NM_148919.4(PSMB8):c.192C>T (p.Asn64=)

Gene: PSMB8 (proteasome 20S subunit beta 8; minus strand). Cytogenetic location: 6p21.32.
Variant type: single nucleotide variant.
Coding change: c.192C>T on transcript NM_148919.4 (MANE Select); coding-DNA position 192, C replaced by T.
Protein change: p.Asn64=; no amino-acid change (asparagine 64 retained).
Molecular consequence: synonymous variant.
Genome position (GRCh38, 1-based): chr6:32,843,045, G>A on the plus strand (C>T on the coding strand, the complement: PSMB8 is on the minus strand). VCF-style: chr6-32843045-G-A. GRCh37 (hg19) VCF-style: chr6-32810822-G-A.
Other names: c.180C>T, p.Asn60= (LRG_1328t2, NM_004159.5); c.192C>T, p.Asn64= (LRG_1328t1).
Identifiers: ClinVar variation 356366 (VCV000356366.20), dbSNP rs79482999, ClinGen allele CA3746464.